The following is an entry in ClinVar:

NM_012330.4(KAT6B):c.6035A>G (p.Tyr2012Cys)

Gene: KAT6B (lysine acetyltransferase 6B; plus strand). Cytogenetic location: 10q22.2.
Variant type: single nucleotide variant.
Coding change: c.6035A>G on transcript NM_012330.4 (MANE Select); coding-DNA position 6035, A replaced by G.
Protein change: p.Tyr2012Cys; replaces tyrosine 2012 with cysteine.
Molecular consequence: missense variant.
Genome position (GRCh38, 1-based): chr10:75,030,859, A>G. VCF-style: chr10-75030859-A-G. GRCh37 (hg19) VCF-style: chr10-76790617-A-G.
Other names: c.5486A>G, p.Tyr1829Cys (NM_001256468.2, NM_001370138.1); c.5159A>G, p.Tyr1720Cys (NM_001256469.2, NM_001370139.1, NM_001370140.1 and 2 more transcripts); c.4997A>G, p.Tyr1666Cys (NM_001370132.1); c.4346A>G, p.Tyr1449Cys (NM_001370133.1); c.3950A>G, p.Tyr1317Cys (NM_001370134.1); c.3692A>G, p.Tyr1231Cys (NM_001370135.1); c.6035A>G, p.Tyr2012Cys (NM_001370136.1, NM_001370137.1); c.4970A>G, p.Tyr1657Cys (NM_001370143.1, NM_001370144.1); short protein forms Y1231C, Y1317C, Y1449C, Y1657C, Y1666C, Y1720C, Y1829C, Y2012C.
Identifiers: ClinVar variation 3767620 (VCV003767620.1).

ClinVar aggregate classification (germline): Uncertain significance (1 of 4 stars; one submission).

gnomAD v4.1: 1 of 1,614,212 alleles (0.000062%); highest among the groups gnomAD compares: Non-Finnish European, 0.000085%; no homozygotes.

Submission:

GeneDx
Classification: Uncertain significance. Last evaluated: 2024-09-07. Review status: criteria provided, single submitter. Criteria: GeneDx Variant Classification Process June 2021. Collection method: clinical testing. Allele origin: germline. Affected: yes.
Comment: Not observed at significant frequency in large population cohorts (gnomAD); In silico analysis supports that this missense variant has a deleterious effect on protein structure/function; Has not been previously published as pathogenic or benign to our knowledge